The following is an entry in ClinVar:

ClinVar aggregate classification (germline): Uncertain significance (1 of 4 stars; one submission).

Conditions:
Neuronopathy, distal hereditary motor, type 7A. Also called: HARPER-YOUNG MYOPATHY; HMN VIIA; NEURONOPATHY, DISTAL HEREDITARY MOTOR, HARDING TYPE VIIA; NEUROPATHY, DISTAL HEREDITARY MOTOR, HARDING TYPE VIIA; Neuronopathy, distal hereditary motor, autosomal dominant 7; Neuronopathy, distal hereditary motor, type viia. Identifiers: Orphanet 139589, MedGen C1834703, MONDO:0008024, OMIM 158580.
Congenital myasthenic syndrome 20. Also called: Myasthenic syndrome, congenital, 20, presynaptic. Identifiers: MedGen C4310694, MONDO:0014939, OMIM 617143.

Allele frequency attached by ClinVar (database versions not stated): gnomAD 0.00005; ExAC 0.00006; TOPMed 0.00001; gnomAD exomes 0.00005 and 0.00007.

Submission:

Labcorp Genetics (formerly Invitae), Labcorp
Classification: Uncertain significance for Neuronopathy, distal hereditary motor, type 7A; Congenital myasthenic syndrome 20. Last evaluated: 2025-04-28. Review status: criteria provided, single submitter. Criteria: Invitae Variant Classification Sherloc (09022015). Collection method: clinical testing. Allele origin: germline.
Comment: This sequence change replaces isoleucine, which is neutral and non-polar, with phenylalanine, which is neutral and non-polar, at codon 156 of the SLC5A7 protein (p.Ile156Phe). This variant is present in population databases (rs763294235, gnomAD 0.09%), including at least one homozygous and/or hemizygous individual. This variant has not been reported in the literature in individuals affected with SLC5A7-related conditions. ClinVar contains an entry for this variant (Variation ID: 1043978). Invitae Evidence Modeling of protein sequence and biophysical properties (such as structural, functional, and spatial information, amino acid conservation, physicochemical variation, residue mobility, and thermodynamic stability) indicates that this missense variant is expected to disrupt SLC5A7 protein function with a positive predictive value of 80%. In summary, the available evidence is currently insufficient to determine the role of this variant in disease. Therefore, it has been classified as a Variant of Uncertain Significance.

NM_021815.5(SLC5A7):c.466A>T (p.Ile156Phe)

Gene: SLC5A7 (solute carrier family 5 member 7; plus strand). Cytogenetic location: 2q12.3.
Variant type: single nucleotide variant.
Coding change: c.466A>T on transcript NM_021815.5 (MANE Select); coding-DNA position 466, A replaced by T.
Protein change: p.Ile156Phe; replaces isoleucine 156 with phenylalanine.
Molecular consequence: missense variant. On other transcripts: 5 prime UTR variant (1).
Genome position (GRCh38, 1-based): chr2:107,997,855, A>T. VCF-style: chr2-107997855-A-T. GRCh37 (hg19) VCF-style: chr2-108614311-A-T.
Other names: c.466A>T, p.Ile156Phe (NM_001305005.3); c.151A>T, p.Ile51Phe (NM_001305006.3); c.-239A>T (NM_001305007.3); short protein forms I51F, I156F.
Identifiers: ClinVar variation 1043978 (VCV001043978.5), dbSNP rs763294235, ClinGen allele CA1818974.